The following is an entry in ClinVar:

ClinVar aggregate classification (germline): Uncertain significance (1 of 4 stars; one submission).

gnomAD v4.1: 3 of 1,610,826 alleles (0.00019%); highest among the groups gnomAD compares: Non-Finnish European, 0.00025%; no homozygotes.

Submission:

Ambry Genetics
Classification: Uncertain significance. Last evaluated: 2025-12-12. Review status: criteria provided, single submitter. Criteria: Ambry Variant Classification Scheme 2023. Collection method: clinical testing. Allele origin: germline.
Comment: The p.A47V variant (also known as c.140C>T), located in coding exon 2 of the SRP72 gene, results from a C to T substitution at nucleotide position 140. The alanine at codon 47 is replaced by valine, an amino acid with similar properties. This amino acid position is conserved. In addition, this alteration is predicted to be deleterious by in silico analysis. Based on the available evidence, the clinical significance of this variant remains unclear.

NM_006947.4(SRP72):c.140C>T (p.Ala47Val)

Gene: SRP72 (signal recognition particle 72; plus strand). Cytogenetic location: 4q12.
Variant type: single nucleotide variant.
Coding change: c.140C>T on transcript NM_006947.4 (MANE Select); coding-DNA position 140, C replaced by T.
Protein change: p.Ala47Val; replaces alanine 47 with valine.
Molecular consequence: missense variant. On other transcripts: non-coding transcript variant (1).
Genome position (GRCh38, 1-based): chr4:56,469,683, C>T. VCF-style: chr4-56469683-C-T. GRCh37 (hg19) VCF-style: chr4-57335849-C-T.
Other names: c.140C>T, p.Ala47Val (NM_001267722.2); short protein forms A47V.
Identifiers: ClinVar variation 4589642 (VCV004589642.1).